The following is an entry in ClinVar:

ClinVar aggregate classification (germline): Likely pathogenic (1 of 4 stars; one submission).

Submission:

GeneDx
Classification: Likely pathogenic. Last evaluated: 2017-05-15. Review status: criteria provided, single submitter. Criteria: GeneDx Variant Classification (06012015). Collection method: clinical testing. Allele origin: germline. Affected: yes.
Comment: The c.5462_5466delTCGGC variant in the ARID1B gene has not been reported previously as a pathogenic variant nor as a benign variant, to our knowledge. The c.5462_5466delTCGGC variant causes a frameshift starting with codon Leucine 1821, changes this amino acid to an Arginine residue, and creates a premature Stop codon at position 3 of the new reading frame, denoted p.Leu1821ArgfsX3. This variant is predicted to cause loss of normal protein function through protein truncation as the last 429 amino acids are replaced by 2 incorrect amino acids. The c.5462_5466delTCGGC variant is not observed in large population cohorts (Lek et al., 2016; 1000 Genomes Consortium et al., 2015; Exome Variant Server). We interpret c.5462_5466delTCGGC as a likely pathogenic variant.

NM_001374828.1(ARID1B):c.5831_5835del (p.Leu1944fs)

Gene: ARID1B (AT-rich interaction domain 1B; plus strand). Cytogenetic location: 6q25.3.
Variant type: Deletion.
Coding change: c.5831_5835del on transcript NM_001374828.1 (MANE Select); coding-DNA positions 5831 to 5835, 5 bases deleted (TCGGC; older notation c.5831_5835delTCGGC).
Protein change: p.Leu1944fs; shifts the reading frame from leucine 1944.
Molecular consequence: frameshift variant.
Genome position (GRCh38, 1-based): chr6:157,206,603-157,206,607, TCGGC deleted; deleting any 5 consecutive bases within chr6:157,206,601-157,206,607 gives the same sequence; the c. name uses the placement nearest the transcript's 3' end. VCF-style (leftmost placement, unchanged base first): chr6-157206600-AGCTCG-A. GRCh37 (hg19) VCF-style: chr6-157527734-AGCTCG-A.
Other names: c.5462_5466delTCGGC (NM_020732.3); c.3332_3336del, p.Leu1111fs (NM_001363725.2); c.5711_5715del, p.Leu1904fs (NM_001371656.1, NM_001374820.1); c.5672_5676del, p.Leu1891fs (NM_017519.3); short protein forms L1111fs, L1891fs, L1904fs, L1944fs.
Identifiers: ClinVar variation 429647 (VCV000429647.2), dbSNP rs1131691508, ClinGen allele CA645369395.